The following is an entry in ClinVar:

NM_019032.6(ADAMTSL4):c.2754dup (p.Trp919fs)

Gene: ADAMTSL4 (ADAMTS like 4; plus strand). Cytogenetic location: 1q21.2.
Variant type: Duplication.
Coding change: c.2754dup on transcript NM_019032.6 (MANE Select); coding-DNA position 2754, one base duplicated (C; older notation c.2754dupC).
Protein change: p.Trp919fs; shifts the reading frame from tryptophan 919.
Molecular consequence: frameshift variant.
Genome position (GRCh38, 1-based): chr1:150,559,156, C duplicated; the last of 3 consecutive C bases (chr1:150,559,154-150,559,156); duplicating any one gives the same sequence. VCF-style (leftmost placement, unchanged base first): chr1-150559153-G-GC. GRCh37 (hg19) VCF-style: chr1-150531629-G-GC.
Other names: c.2637dup, p.Trp880fs (NM_001288607.2); c.2823dup, p.Trp942fs (NM_001288608.2); c.2754dup, p.Trp919fs (NM_001378596.1); short protein forms W942fs, W880fs, W919fs.
Identifiers: ClinVar variation 2705940 (VCV002705940.3), dbSNP rs2526782628, ClinGen allele CA2647818015.
Genomic context (GRCh38, chr1:150,559,153, plus strand): 5'-CCCTGACATGCGCGCCTGCAGCCTGGGGCCCTGTGAGAGAACTTGGCGCTGGTACACAGG[G>GC]CCCTGGGGTGAGGTAAGCTGAGCGCCTGCTGAGAGCAGGAAGGGGGTGCCAGTCCCAGTG-3'

ClinVar aggregate classification (germline): Pathogenic (1 of 4 stars; one submission).

Submission:

Labcorp Genetics (formerly Invitae), Labcorp
Classification: Pathogenic. Last evaluated: 2023-12-27. Review status: criteria provided, single submitter. Criteria: Invitae Variant Classification Sherloc (09022015). Collection method: clinical testing. Allele origin: germline.
Comment: This sequence change creates a premature translational stop signal (p.Trp919Leufs*3) in the ADAMTSL4 gene. It is expected to result in an absent or disrupted protein product. Loss-of-function variants in ADAMTSL4 are known to be pathogenic (PMID: 20564469, 28642162). This variant is not present in population databases (gnomAD no frequency). This variant has not been reported in the literature in individuals affected with ADAMTSL4-related conditions. For these reasons, this variant has been classified as Pathogenic.

Literature cited by the submitters: PubMed 20564469; PubMed 28642162.